The following is an entry in ClinVar:

NM_004320.6(ATP2A1):c.1722G>A (p.Glu574=)

Gene: ATP2A1 (ATPase sarcoplasmic/endoplasmic reticulum Ca2+ transporting 1; plus strand). Cytogenetic location: 16p11.2.
Variant type: single nucleotide variant.
Coding change: c.1722G>A on transcript NM_004320.6 (MANE Select); coding-DNA position 1722, G replaced by A.
Protein change: p.Glu574=; no amino-acid change (glutamic acid 574 retained).
Molecular consequence: synonymous variant.
Genome position (GRCh38, 1-based): chr16:28,898,409, G>A. VCF-style: chr16-28898409-G-A. GRCh37 (hg19) VCF-style: chr16-28909730-G-A.
Other names: c.1347G>A, p.Glu449= (NM_001286075.2); c.1722G>A, p.Glu574= (NM_173201.5).
Identifiers: ClinVar variation 318777 (VCV000318777.37), dbSNP rs145043756, ClinGen allele CA7987062.
Genomic context (GRCh38, chr16:28,898,409, plus strand): 5'-TGGCCGGGACACCCTGCGCTGCTTGGCCCTGGCCACCCGGGACACCCCCCCGAAGCGAGA[G>A]GAAATGGTCCTGGATGACTCTGCCAGGTTCCTGGAGTATGAGGTAAGCAGCTGGGAGCCT-3'
Protein context (NP_004311.1, residues 564-584): LATRDTPPKR[Glu574=]EMVLDDSARF

ClinVar aggregate classification (germline): Conflicting classifications of pathogenicity. Review status: criteria provided, conflicting classifications (1 of 4 stars). 4 submissions from 4 submitters: Uncertain significance (1); Likely benign (3). Last evaluated 2025-12-20.

Conditions:
Brody myopathy. Also called: BRODY DISEASE. Identifiers: Orphanet 53347, MedGen C1832918, MONDO:0010977, OMIM 601003.

Allele frequency attached by ClinVar (database versions not stated): TOPMed 0.00006; ExAC 0.00011; gnomAD exomes 0.00015; ESP Exome Variant Server 0.00023.
gnomAD v4.1: 96 of 1,614,196 alleles (0.0059%); highest among the groups gnomAD compares: East Asian, 0.033%; no homozygotes.

Submissions (4):

Labcorp Genetics (formerly Invitae), Labcorp
Classification: Likely benign for Brody myopathy. Last evaluated: 2025-12-20. Review status: criteria provided, single submitter. Criteria: Invitae Variant Classification Sherloc (09022015). Collection method: clinical testing. Allele origin: germline.

CeGaT Center for Human Genetics Tuebingen
Classification: Likely benign. Last evaluated: 2024-02-01. Review status: criteria provided, single submitter. Criteria: CeGaT Center For Human Genetics Tuebingen Variant Classification Criteria Version 2. Collection method: clinical testing. Allele origin: germline. Affected: yes. Observed: 1 variant allele.
Comment: ATP2A1: BP4, BP7

GeneDx
Classification: Likely benign. Last evaluated: 2018-05-15. Review status: criteria provided, single submitter. Criteria: GeneDx Variant Classification (06012015). Collection method: clinical testing. Allele origin: germline. Affected: yes.
Comment: This variant is considered likely benign or benign based on one or more of the following criteria: it is a conservative change, it occurs at a poorly conserved position in the protein, it is predicted to be benign by multiple in silico algorithms, and/or has population frequency not consistent with disease.

Illumina Laboratory Services, Illumina
Classification: Uncertain significance for Brody myopathy. Last evaluated: 2018-01-12. Review status: criteria provided, single submitter. Criteria: ICSL Variant Classification Criteria 13 December 2019. Collection method: clinical testing. Allele origin: germline.